The following is an entry in ClinVar:

NM_198578.4(LRRK2):c.2165G>A (p.Ser722Asn)

Gene: LRRK2 (leucine rich repeat kinase 2; plus strand). Cytogenetic location: 12q12.
Variant type: single nucleotide variant.
Coding change: c.2165G>A on transcript NM_198578.4 (MANE Select); coding-DNA position 2165, G replaced by A.
Protein change: p.Ser722Asn; replaces serine 722 with asparagine.
Molecular consequence: missense variant.
Genome position (GRCh38, 1-based): chr12:40,278,185, G>A. VCF-style: chr12-40278185-G-A. GRCh37 (hg19) VCF-style: chr12-40671987-G-A.
Other names: short protein forms S722N.
Identifiers: ClinVar variation 2768409 (VCV002768409.3), dbSNP rs757594705, ClinGen allele CA6513571.
Genomic context (GRCh38, chr12:40,278,185, plus strand): 5'-TAGCTATGGATGATTACTTAAAAAATGTGATGCTAGAGAGAGCGTGTGATCAGAATAACA[G>A]CATCATGGTTGAATGCTTGCTTCTATTGGGAGCAGATGCCAATCAAGCAAAGGAGGGATC-3'
Protein context (NP_940980.4, residues 712-732): MLERACDQNN[Ser722Asn]IMVECLLLLG

ClinVar aggregate classification (germline): Uncertain significance (1 of 4 stars; one submission).

Conditions:
Autosomal dominant Parkinson disease 8. Also called: LRRK2-Related Parkinson Disease; Parkinson disease 8; Parkinson disease 8, susceptibility to. Identifiers: Orphanet 411602, MedGen C1846862, MONDO:0011764, OMIM 607060.

Allele frequency attached by ClinVar (database versions not stated): ExAC 0.00001; gnomAD exomes 0.00001; TOPMed 0.00001.
gnomAD v4.1: 3 of 1,614,114 alleles (0.00019%); highest among the groups gnomAD compares: Admixed American, 0.0033%; no homozygotes.

Submission:

Labcorp Genetics (formerly Invitae), Labcorp
Classification: Uncertain significance for Autosomal dominant Parkinson disease 8. Last evaluated: 2024-03-13. Review status: criteria provided, single submitter. Criteria: Invitae Variant Classification Sherloc (09022015). Collection method: clinical testing. Allele origin: germline.
Comment: This sequence change replaces serine, which is neutral and polar, with asparagine, which is neutral and polar, at codon 722 of the LRRK2 protein (p.Ser722Asn). This variant is present in population databases (rs757594705, gnomAD 0.006%). This missense change has been observed in individual(s) with Parkinson disease (PMID: 30049590). Advanced modeling of protein sequence and biophysical properties (such as structural, functional, and spatial information, amino acid conservation, physicochemical variation, residue mobility, and thermodynamic stability) has been performed at Invitae for this missense variant, however the output from this modeling did not meet the statistical confidence thresholds required to predict the impact of this variant on LRRK2 protein function. Experimental studies have shown that this missense change does not substantially affect LRRK2 function (PMID: 35950872). In summary, the available evidence is currently insufficient to determine the role of this variant in disease. Therefore, it has been classified as a Variant of Uncertain Significance.

Literature cited by the submitters: PubMed 30049590; PubMed 35950872.